The following is an entry in ClinVar:

ClinVar aggregate classification (germline): Likely benign. Review status: criteria provided, multiple submitters, no conflicts (2 of 4 stars). 3 submissions from 3 submitters: Likely benign (2). 1 of the submissions does not count toward it. Last evaluated 2025-02-26.

Conditions:
AKAP9-related disorder. Also called: AKAP9-related condition.
Long QT syndrome (LQTS). Identifiers: MedGen C0023976, MeSH D008133, MONDO:0002442. Disease mechanism: loss of function. Inheritance: Various modes of inheritance.
Cardiovascular phenotype. Identifiers: MedGen CN230736.

Allele frequency attached by ClinVar (database versions not stated): ExAC 0.00001; gnomAD 0.00001; gnomAD exomes 0.00001; TOPMed 0.00002.
gnomAD v4.1: 17 of 1,610,110 alleles (0.0011%); highest among the groups gnomAD compares: African/African-American, 0.0013%; no homozygotes.

Submissions (3):

Labcorp Genetics (formerly Invitae), Labcorp
Classification: Likely benign for Long QT syndrome. Last evaluated: 2025-02-26. Review status: criteria provided, single submitter. Criteria: Invitae Variant Classification Sherloc (09022015). Collection method: clinical testing. Allele origin: germline.

Ambry Genetics
Classification: Likely benign for Cardiovascular phenotype. Last evaluated: 2015-11-11. Review status: criteria provided, single submitter. Criteria: Ambry Variant Classification Scheme 2023. Collection method: clinical testing. Allele origin: germline.

PreventionGenetics, part of Exact Sciences
Classification: Likely benign for AKAP9-related condition. Last evaluated: 2019-03-06. Review status: no assertion criteria provided. Collection method: clinical testing. Allele origin: germline. Not counted in ClinVar's aggregate classification.
Comment: This variant is classified as likely benign based on ACMG/AMP sequence variant interpretation guidelines (Richards et al. 2015 PMID: 25741868, with internal and published modifications).

NM_005751.5(AKAP9):c.8688G>A (p.Gln2896=)

Gene: AKAP9 (A-kinase anchoring protein 9; plus strand). Cytogenetic location: 7q21.2.
Variant type: single nucleotide variant.
Coding change: c.8688G>A on transcript NM_005751.5 (MANE Select); coding-DNA position 8688, G replaced by A.
Protein change: p.Gln2896=; no amino-acid change (glutamine 2896 retained).
Molecular consequence: synonymous variant.
Genome position (GRCh38, 1-based): chr7:92,084,681, G>A. VCF-style: chr7-92084681-G-A. GRCh37 (hg19) VCF-style: chr7-91713995-G-A.
Other names: c.3333G>A, p.Gln1111= (NM_001379277.1); c.8664G>A, p.Gln2888= (NM_147185.3).
Identifiers: ClinVar variation 264513 (VCV000264513.11), dbSNP rs751625334, ClinGen allele CA4337551.